The following is an entry in ClinVar:

ClinVar aggregate classification (germline): Uncertain significance (1 of 4 stars; one submission).

Conditions:
Autosomal dominant intellectual disability-craniofacial anomalies-cardiac defects syndrome (ARTHS). Also called: Arboleda-Tham syndrome; Mental retardation, autosomal dominant 32; KAT6A syndrome. Identifiers: Orphanet 457193, MedGen C4225396, MONDO:0014558, OMIM 616268.

Submission:

Genetics Department, Catlab
Classification: Uncertain significance for Autosomal dominant intellectual disability-craniofacial anomalies-cardiac defects syndrome. Last evaluated: 2025-12-18. Review status: criteria provided, single submitter. Criteria: ACMG Guidelines, 2015. Collection method: clinical testing. Allele origin: germline. Affected: yes.
Comment: The c.494C>T missense variant changes a proline at position 165 of the protein for a leucine. The variant is absent from the gnomAD v4.1 (PM2_moderate) and it has a REVEL score of 0.21 (BP4_supporting). With all the available evidence, the variant is classified as of uncertain significance.

NM_006766.5(KAT6A):c.494C>T (p.Pro165Leu)

Gene: KAT6A (lysine acetyltransferase 6A; minus strand). Cytogenetic location: 8p11.21.
Variant type: single nucleotide variant.
Coding change: c.494C>T on transcript NM_006766.5 (MANE Select); coding-DNA position 494, C replaced by T.
Protein change: p.Pro165Leu; replaces proline 165 with leucine.
Molecular consequence: missense variant.
Genome position (GRCh38, 1-based): chr8:42,048,484, G>A on the plus strand (C>T on the coding strand, the complement: KAT6A is on the minus strand). VCF-style: chr8-42048484-G-A. GRCh37 (hg19) VCF-style: chr8-41906002-G-A.
Other names: c.494C>T, p.Pro165Leu (NM_001305878.2); short protein forms P165L.
Identifiers: ClinVar variation 4538484 (VCV004538484.1).